The following is an entry in ClinVar:

ClinVar aggregate classification (germline): Likely benign (1 of 4 stars; one submission).

Conditions:
GNAS-related disorder. Identifiers: MedGen CN380105.

gnomAD v4.1: 45 of 1,583,288 alleles (0.0028%); highest among the groups gnomAD compares: African/African-American, 0.004%; no homozygotes.

Submission:

PreventionGenetics, part of Exact Sciences
Classification: Likely benign for GNAS-related condition. Last evaluated: 2024-10-09. Review status: criteria provided, single submitter. Criteria: ACMG Guidelines, 2015. Collection method: clinical testing. Allele origin: germline.
Comment: This variant is classified as likely benign based on ACMG/AMP sequence variant interpretation guidelines (Richards et al. 2015 PMID: 25741868, with internal and published modifications).

NM_080425.4(GNAS):c.2029A>G (p.Lys677Glu)

Gene: GNAS (GNAS complex locus; plus strand). Cytogenetic location: 20q13.32.
Variant type: single nucleotide variant.
Coding change: c.2029A>G on transcript NM_080425.4 (MANE Plus Clinical); coding-DNA position 2029, A replaced by G.
Protein change: p.Lys677Glu; replaces lysine 677 with glutamic acid.
Molecular consequence: missense variant. On other transcripts: synonymous variant (2), intron variant (3).
Genome position (GRCh38, 1-based): chr20:58,855,294, A>G. VCF-style: chr20-58855294-A-G. GRCh37 (hg19) VCF-style: chr20-57430349-A-G.
Other names: c.1842A>G, p.Lys614= (NM_001077490.3, NM_001309883.1); c.2029A>G, p.Lys677Glu (NM_001410913.1); c.*42+14408A>G (NM_016592.5); c.43+14408A>G (NM_001410912.1); c.-39+13419A>G (NM_001309861.2); short protein forms K677E.
Identifiers: ClinVar variation 4984035 (VCV004984035.1).